The following is an entry in ClinVar:

ClinVar aggregate classification (germline): Uncertain significance (1 of 4 stars; one submission).

Submission:

Labcorp Genetics (formerly Invitae), Labcorp
Classification: Uncertain significance. Last evaluated: 2022-10-28. Review status: criteria provided, single submitter. Criteria: Invitae Variant Classification Sherloc (09022015). Collection method: clinical testing. Allele origin: germline.
Comment: In summary, the available evidence is currently insufficient to determine the role of this variant in disease. Therefore, it has been classified as a Variant of Uncertain Significance. Experimental studies and prediction algorithms are not available or were not evaluated, and the functional significance of this variant is currently unknown. This variant has not been reported in the literature in individuals affected with CEP97-related conditions. This variant is present in population databases (rs750600855, gnomAD 0.0009%). This sequence change creates a premature translational stop signal (p.Leu718Trpfs*15) in the CEP97 gene. While this is not anticipated to result in nonsense mediated decay, it is expected to disrupt the last 148 amino acid(s) of the CEP97 protein.

NM_024548.4(CEP97):c.2153del (p.Leu718fs)

Gene: CEP97 (centrosomal protein 97; plus strand). Cytogenetic location: 3q12.3.
Variant type: Deletion.
Coding change: c.2153del on transcript NM_024548.4 (MANE Select); coding-DNA position 2153, one base deleted (T; older notation c.2153delT).
Protein change: p.Leu718fs; shifts the reading frame from leucine 718.
Molecular consequence: frameshift variant.
Genome position (GRCh38, 1-based): chr3:101,765,106, T deleted; the last of 3 consecutive T bases (chr3:101,765,104-101,765,106); deleting any one gives the same sequence. VCF-style (leftmost placement, unchanged base first): chr3-101765103-CT-C. GRCh37 (hg19) VCF-style: chr3-101483947-CT-C.
Other names: c.1976del, p.Leu659fs (NM_001303401.2); c.2051delT, p.Leu684Trpfs (NM_001410784.1); c.1874delT, p.Leu625Trpfs (NM_001410785.1); short protein forms L659fs, L718fs.
Identifiers: ClinVar variation 1919330 (VCV001919330.5), dbSNP rs750600855, ClinGen allele CA2522281.